The following is an entry in ClinVar:

ClinVar aggregate classification (germline): Uncertain significance (1 of 4 stars; one submission).

Conditions:
Bardet-Biedl syndrome (BBS). Identifiers: Orphanet 110, MedGen C0752166, MONDO:0015229.

Submission:

Labcorp Genetics (formerly Invitae), Labcorp
Classification: Uncertain significance for Bardet-Biedl syndrome. Last evaluated: 2024-10-16. Review status: criteria provided, single submitter. Criteria: Invitae Variant Classification Sherloc (09022015). Collection method: clinical testing. Allele origin: germline.
Comment: This sequence change replaces leucine, which is neutral and non-polar, with valine, which is neutral and non-polar, at codon 179 of the WDPCP protein (p.Leu179Val). This variant is not present in population databases (gnomAD no frequency). This variant has not been reported in the literature in individuals affected with WDPCP-related conditions. ClinVar contains an entry for this variant (Variation ID: 1716253). Invitae Evidence Modeling of protein sequence and biophysical properties (such as structural, functional, and spatial information, amino acid conservation, physicochemical variation, residue mobility, and thermodynamic stability) indicates that this missense variant is not expected to disrupt WDPCP protein function with a negative predictive value of 80%. In summary, the available evidence is currently insufficient to determine the role of this variant in disease. Therefore, it has been classified as a Variant of Uncertain Significance.

NM_015910.7(WDPCP):c.535T>G (p.Leu179Val)

Gene: WDPCP (WD repeat containing planar cell polarity effector; minus strand). Cytogenetic location: 2p15.
Variant type: single nucleotide variant.
Coding change: c.535T>G on transcript NM_015910.7 (MANE Select); coding-DNA position 535, T replaced by G.
Protein change: p.Leu179Val; replaces leucine 179 with valine.
Molecular consequence: missense variant. On other transcripts: non-coding transcript variant (3).
Genome position (GRCh38, 1-based): chr2:63,437,519, A>C on the plus strand (T>G on the coding strand, the complement: WDPCP is on the minus strand). VCF-style: chr2-63437519-A-C. GRCh37 (hg19) VCF-style: chr2-63664653-A-C.
Other names: c.58T>G, p.Leu20Val (NM_001042692.3); c.463T>G, p.Leu155Val (NM_001354044.2); c.535T>G, p.Leu179Val (NM_001354045.2); short protein forms L155V, L179V, L20V.
Identifiers: ClinVar variation 1716253 (VCV001716253.5), dbSNP rs2466980068, ClinGen allele CA347063761.
Genomic context (GRCh38, chr2:63,437,519, plus strand): 5'-TTACATCAGAAGACTCCATCTTCTTGGTAAACTGAATAAAACATAGTTTGTTTTGTGCCA[A>C]AAATGATAAGATGATAAAACTGTCTGTGAGAAGAGCTAAAAAACATAATTAGATATTACC-3'
Protein context (NP_056994.3, residues 169-189): LTDSFIILSF[Leu179Val]AQNKLCFIQF